The following is an entry in ClinVar:

ClinVar aggregate classification (germline): Uncertain significance. Review status: criteria provided, multiple submitters, no conflicts (2 of 4 stars). 4 submissions from 4 submitters: Uncertain significance (4). Last evaluated 2026-01-26.

Conditions:
Hereditary fructosuria. Also called: Fructose intolerance; ALDOB DEFICIENCY; ALDOLASE B DEFICIENCY; FRUCTOSE-1,6-BISPHOSPHATE ALDOLASE B DEFICIENCY; FRUCTOSE-1-PHOSPHATE ALDOLASE DEFICIENCY; FRUCTOSEMIA. Identifiers: Orphanet 469, MedGen C0016751, MONDO:0009249, OMIM 229600, HP:0005973. Disease mechanism: loss of function.

Allele frequency attached by ClinVar (database versions not stated): TOPMed 0.00002; gnomAD 0.00004; ESP Exome Variant Server 0.00008; 1000 Genomes Project 30x 0.00016; 1000 Genomes Project 0.00020.
gnomAD v4.1: 66 of 1,614,114 alleles (0.0041%); highest among the groups gnomAD compares: East Asian, 0.029%; no homozygotes.

Submissions (4):

Women's Health and Genetics/Laboratory Corporation of America, LabCorp
Classification: Uncertain significance. Last evaluated: 2026-01-26. Review status: criteria provided, single submitter. Criteria: LabCorp Variant Classification Summary - May 2015. Collection method: clinical testing. Allele origin: germline.
Comment: Variant summary: ALDOB c.401G>A (p.Arg134His) results in a non-conservative amino acid change in the encoded protein sequence. Algorithms developed to predict the effect of missense changes on protein structure and function all suggest that this variant is likely to be disruptive. The variant allele was found at a frequency of 7.2e-05 in 250790 control chromosomes. This frequency is not significantly higher than estimated for disease-causing variants in ALDOB, allowing no conclusion about variant significance. To our knowledge, no occurrence of c.401G>A in individuals affected with ALDOB-related conditions and no experimental evidence demonstrating its impact on protein function have been reported. ClinVar contains an entry for this variant (Variation ID: 364313). Based on the evidence outlined above, the variant was classified as uncertain significance.

Fulgent Genetics
Classification: Uncertain significance for Hereditary fructosuria. Last evaluated: 2021-12-15. Review status: criteria provided, single submitter. Criteria: ACMG Guidelines, 2015. Collection method: clinical testing. Allele origin: unknown.

Eurofins Ntd Llc (ga)
Classification: Uncertain significance. Last evaluated: 2018-07-24. Review status: criteria provided, single submitter. Criteria: EGL ClinVar v180209 classification definitions. Collection method: clinical testing. Allele origin: germline. Observed: 1 variant allele, 1 heterozygote.

Illumina Laboratory Services, Illumina
Classification: Uncertain significance for Hereditary fructosuria. Last evaluated: 2018-01-13. Review status: criteria provided, single submitter. Criteria: ICSL Variant Classification Criteria 13 December 2019. Collection method: clinical testing. Allele origin: germline.

NM_000035.4(ALDOB):c.401G>A (p.Arg134His)

Gene: ALDOB (aldolase, fructose-bisphosphate B; minus strand). Cytogenetic location: 9q31.1.
Variant type: single nucleotide variant.
Coding change: c.401G>A on transcript NM_000035.4 (MANE Select); coding-DNA position 401, G replaced by A.
Protein change: p.Arg134His; replaces arginine 134 with histidine.
Molecular consequence: missense variant.
Genome position (GRCh38, 1-based): chr9:101,427,621, C>T on the plus strand (G>A on the coding strand, the complement: ALDOB is on the minus strand). VCF-style: chr9-101427621-C-T. GRCh37 (hg19) VCF-style: chr9-104189903-C-T.
Other names: c.401G>A, p.Arg134His (LRG_1244t1); short protein forms R134H.
Identifiers: ClinVar variation 364313 (VCV000364313.11), dbSNP rs145252200, ClinGen allele CA5161612.
Genomic context (GRCh38, chr9:101,427,621, plus strand): 5'-ATCCTCAGCACAGCACGCCACTTCCCAAAGTCAACACCATCTTTCTTGTACTGAGCACAG[C>T]GCTCTGAGAGGCCATCAAGCCCTGCAAGTCACAAAAGAGAGAAAGGCTTCTTTGTACCTT-3'
Protein context (NP_000026.2, residues 124-144): TIQGLDGLSE[Arg134His]CAQYKKDGVD